The following is an entry in ClinVar:

ClinVar aggregate classification (germline): Pathogenic (1 of 4 stars; one submission).

Conditions:
Duchenne muscular dystrophy (DMD). Also called: MUSCULAR DYSTROPHY, PSEUDOHYPERTROPHIC PROGRESSIVE, DUCHENNE TYPE; Duchenne Muscular Dystrophy (DMD). Identifiers: Orphanet 98896, MedGen C0013264, MONDO:0010679, OMIM 310200.

Submission:

Labcorp Genetics (formerly Invitae), Labcorp
Classification: Pathogenic for Duchenne muscular dystrophy. Last evaluated: 2021-07-14. Review status: criteria provided, single submitter. Criteria: Invitae Variant Classification Sherloc (09022015). Collection method: clinical testing. Allele origin: germline.
Comment: For these reasons, this variant has been classified as Pathogenic. Loss-of-function variants in DMD are known to be pathogenic (PMID: 16770791, 25007885). This sequence change creates a premature translational stop signal (p.Gln345*) in the DMD gene. It is expected to result in an absent or disrupted protein product. This variant is not present in population databases (ExAC no frequency). This variant has been observed in individuals affected with Duchenne muscular dystrophy (PMID: 25612904, 27593222).

Literature cited by the submitters: PubMed 16770791; PubMed 25007885; PubMed 25612904; PubMed 27593222.

NM_004006.3(DMD):c.1033C>T (p.Gln345Ter)

Gene: DMD (dystrophin; minus strand). Cytogenetic location: Xp21.1.
Variant type: single nucleotide variant.
Coding change: c.1033C>T on transcript NM_004006.3 (MANE Select); coding-DNA position 1033, C replaced by T.
Protein change: p.Gln345Ter; replaces glutamine 345 with a stop codon.
Molecular consequence: nonsense.
Genome position (GRCh38, 1-based): chrX:32,645,080, G>A on the plus strand (C>T on the coding strand, the complement: DMD is on the minus strand). VCF-style: chrX-32645080-G-A. GRCh37 (hg19) VCF-style: chrX-32663197-G-A.
Other names: c.1009C>T, p.Gln337Ter (NM_000109.4); c.1021C>T, p.Gln341Ter (NM_004009.3); c.664C>T, p.Gln222Ter (NM_004010.3); short protein forms Q222*, Q337*, Q341*, Q345*.
Identifiers: ClinVar variation 1322214 (VCV001322214.9), dbSNP rs2146834557, ClinGen allele CA412662153.